The following is an entry in ClinVar:

NM_015909.4(NBAS):c.4863G>T (p.Trp1621Cys)

Gene: NBAS (NBAS subunit of NRZ tethering complex; minus strand). Cytogenetic location: 2p24.3.
Variant type: single nucleotide variant.
Coding change: c.4863G>T on transcript NM_015909.4 (MANE Select); coding-DNA position 4863, G replaced by T.
Protein change: p.Trp1621Cys; replaces tryptophan 1621 with cysteine.
Molecular consequence: missense variant. On other transcripts: non-coding transcript variant (1).
Genome position (GRCh38, 1-based): chr2:15,292,701, C>A on the plus strand (G>T on the coding strand, the complement: NBAS is on the minus strand). VCF-style: chr2-15292701-C-A. GRCh37 (hg19) VCF-style: chr2-15432825-C-A.
Other names: short protein forms W1621C.
Identifiers: ClinVar variation 1359919 (VCV001359919.8), dbSNP rs760228804, ClinGen allele CA1535474.

ClinVar aggregate classification (germline): Uncertain significance (1 of 4 stars; one submission).

Allele frequency attached by ClinVar (database versions not stated): gnomAD exomes below 0.00001; ExAC 0.00001.
gnomAD v4.1: 1 of 1,614,162 alleles (0.000062%); no homozygotes.

Submission:

Labcorp Genetics (formerly Invitae), Labcorp
Classification: Uncertain significance. Last evaluated: 2022-09-01. Review status: criteria provided, single submitter. Criteria: Invitae Variant Classification Sherloc (09022015). Collection method: clinical testing. Allele origin: germline.
Comment: This sequence change replaces tryptophan, which is neutral and slightly polar, with cysteine, which is neutral and slightly polar, at codon 1621 of the NBAS protein (p.Trp1621Cys). This variant is present in population databases (rs760228804, gnomAD 0.006%). This variant has not been reported in the literature in individuals affected with NBAS-related conditions. ClinVar contains an entry for this variant (Variation ID: 1359919). Algorithms developed to predict the effect of missense changes on protein structure and function (SIFT, PolyPhen-2, Align-GVGD) all suggest that this variant is likely to be disruptive. In summary, the available evidence is currently insufficient to determine the role of this variant in disease. Therefore, it has been classified as a Variant of Uncertain Significance.